The following is an entry in ClinVar:

ClinVar aggregate classification (germline): Likely pathogenic (1 of 4 stars; one submission).

Submission:

GeneDx
Classification: Likely pathogenic. Last evaluated: 2017-03-06. Review status: criteria provided, single submitter. Criteria: GeneDx Variant Classification (06012015). Collection method: clinical testing. Allele origin: germline. Affected: yes.
Comment: The M719V variant in the FGFR1 gene has been reported previously as a heterozygous pathogenic variant in an individual with Kallman syndrome (GonÃ§alves et al., 2015). No data are available from ethnically-matched control populations to assess the frequency of this variant. The M719V variant is a conservative amino acid substitution, which is not likely to impact secondary protein structure as these residues share similar properties. However, the M719V variant occurs at a position that is conserved across species and is located in the loop region linking the alpha-helices which is important for maintaining structural integrity of the tyrosine kinase domain (GonÃ§alves et al., 2015). In silico analysis predicts this variant is probably damaging to the protein structure/function. A missense variant at the same residue (M719R) has also been reported in an individual with Kallman syndrome (Dode et al., 2003), supporting the functional importance of this region of the protein. The M719V variant is a strong candidate for a pathogenic variant, however, the possibility it may be a rare benign variant cannot be excluded

NM_023110.3(FGFR1):c.2155A>G (p.Met719Val)

Gene: FGFR1 (fibroblast growth factor receptor 1; minus strand). Cytogenetic location: 8p11.23.
Variant type: single nucleotide variant.
Coding change: c.2155A>G on transcript NM_023110.3 (MANE Select); coding-DNA position 2155, A replaced by G.
Protein change: p.Met719Val; replaces methionine 719 with valine.
Molecular consequence: missense variant.
Genome position (GRCh38, 1-based): chr8:38,414,183, T>C on the plus strand (A>G on the coding strand, the complement: FGFR1 is on the minus strand). VCF-style: chr8-38414183-T-C. GRCh37 (hg19) VCF-style: chr8-38271701-T-C.
Other names: c.2149A>G, p.Met717Val (NM_001174063.2, NM_001174065.2, NM_001354367.2 and 1 more transcripts); c.2125A>G, p.Met709Val (NM_001174064.2); c.1888A>G, p.Met630Val (NM_001174066.2, NM_023105.3); c.2248A>G, p.Met750Val (NM_001174067.2); c.1876A>G, p.Met626Val (NM_001354368.2); c.2143A>G, p.Met715Val (NM_001354369.2); c.1882A>G, p.Met628Val (NM_001354370.2, NM_023106.3); short protein forms M719V, M709V, M750V, M626V, M628V, M630V, M717V, M715V.
Identifiers: ClinVar variation 426970 (VCV000426970.2), dbSNP rs1085307879, ClinGen allele CA370728508.
Genomic context (GRCh38, chr8:38,414,183, plus strand): 5'-CAGGGCCTCCGACATCTCCTCGGGCTTACAGCTCGTTGGTGCAGTTACTGGGCTTGTCCA[T>C]GCGGTGACCCTCCTTCAGCAGCTTGAAAAGTTCCTCCACAGGCACACCGGGGTATGGGGA-3'
Protein context (NP_075598.2, residues 709-729): LFKLLKEGHR[Met719Val]DKPSNCTNEL